The following is an entry in ClinVar:

ClinVar aggregate classification (germline): Uncertain significance (1 of 4 stars; one submission).

Conditions:
SRRM2-related disorder. Also called: SRRM2-related condition.

gnomAD v4.1: 1 of 1,614,074 alleles (0.000062%); highest among the groups gnomAD compares: Admixed American, 0.0017%; no homozygotes.

Submission:

PreventionGenetics, part of Exact Sciences
Classification: Uncertain significance for SRRM2-related condition. Last evaluated: 2026-06-15. Review status: criteria provided, single submitter. Criteria: ACMG Guidelines, 2015. Collection method: clinical testing. Allele origin: germline.
Comment: The SRRM2 c.4126A>T variant is predicted to result in the amino acid substitution p.Thr1376Ser. To our knowledge, this variant has not been reported in the literature or in a large population database (gnomAD), indicating this variant is rare. At this time, the clinical significance of this variant is uncertain due to the absence of conclusive functional and genetic evidence.

NM_016333.4(SRRM2):c.4126A>T (p.Thr1376Ser)

Gene: SRRM2 (serine/arginine repetitive matrix 2; plus strand). Cytogenetic location: 16p13.3.
Variant type: single nucleotide variant.
Coding change: c.4126A>T on transcript NM_016333.4 (MANE Select); coding-DNA position 4126, A replaced by T.
Protein change: p.Thr1376Ser; replaces threonine 1376 with serine.
Molecular consequence: missense variant.
Genome position (GRCh38, 1-based): chr16:2,764,654, A>T. VCF-style: chr16-2764654-A-T. GRCh37 (hg19) VCF-style: chr16-2814655-A-T.
Other names: short protein forms T1376S.
Identifiers: ClinVar variation 4996102 (VCV004996102.1).